The following is an entry in ClinVar:

ClinVar aggregate classification (germline): Uncertain significance (1 of 4 stars; one submission).

Conditions:
Inborn genetic diseases. Identifiers: MedGen C0950123, MeSH D030342.

gnomAD v4.1: 1 of 1,613,090 alleles (0.000062%); highest among the groups gnomAD compares: Admixed American, 0.0017%; no homozygotes.

Submission:

Ambry Genetics
Classification: Uncertain significance for Inborn genetic diseases. Last evaluated: 2024-08-08. Review status: criteria provided, single submitter. Criteria: Ambry Variant Classification Scheme 2023. Collection method: clinical testing. Allele origin: germline.
Comment: The p.P1637A variant (also known as c.4909C>G), located in coding exon 28 of the ATR gene, results from a C to G substitution at nucleotide position 4909. The proline at codon 1637 is replaced by alanine, an amino acid with highly similar properties. This amino acid position is conserved. In addition, this alteration is predicted to be deleterious by in silico analysis. Based on the available evidence, the clinical significance of this variant remains unclear.

NM_001184.4(ATR):c.4909C>G (p.Pro1637Ala)

Gene: ATR (ATR serine/threonine kinase; minus strand). Cytogenetic location: 3q23.
Variant type: single nucleotide variant.
Coding change: c.4909C>G on transcript NM_001184.4 (MANE Select); coding-DNA position 4909, C replaced by G.
Protein change: p.Pro1637Ala; replaces proline 1637 with alanine.
Molecular consequence: missense variant.
Genome position (GRCh38, 1-based): chr3:142,508,053, G>C on the plus strand (C>G on the coding strand, the complement: ATR is on the minus strand). VCF-style: chr3-142508053-G-C. GRCh37 (hg19) VCF-style: chr3-142226895-G-C.
Other names: c.4717C>G, p.Pro1573Ala (NM_001354579.2); short protein forms P1637A, P1573A.
Identifiers: ClinVar variation 3461785 (VCV003461785.1).